The following is an entry in ClinVar:

ClinVar aggregate classification (germline): Conflicting classifications of pathogenicity. Review status: criteria provided, conflicting classifications (1 of 4 stars). 2 submissions from 2 submitters: Likely pathogenic (1); Uncertain significance (1). Last evaluated 2022-12-15.

Conditions:
Polyglandular autoimmune syndrome, type 1 (APS1). Also called: PGA I; Autoimmune polyendocrine syndrome type 1; Whitaker syndrome; Autoimmune polyendocrinopathy syndrome , type I, with or without reversible metaphyseal dysplasia; AUTOIMMUNE POLYENDOCRINE SYNDROME, TYPE I, WITH OR WITHOUT REVERSIBLE METAPHYSEAL DYSPLASIA; HYPOADRENOCORTICISM WITH HYPOPARATHYROIDISM AND SUPERFICIAL MONILIASIS. Identifiers: Orphanet 3453, MedGen C0085859, MONDO:0009411, OMIM 240300.

gnomAD v4.1: 1 of 1,613,020 alleles (0.000062%); highest among the groups gnomAD compares: Middle Eastern, 0.017%; no homozygotes.

Submissions (2):

Labcorp Genetics (formerly Invitae), Labcorp
Classification: Likely pathogenic for Polyglandular autoimmune syndrome, type 1. Last evaluated: 2022-12-15. Review status: criteria provided, single submitter. Criteria: Invitae Variant Classification Sherloc (09022015). Collection method: clinical testing. Allele origin: germline.
Comment: In summary, the currently available evidence indicates that the variant is pathogenic, but additional data are needed to prove that conclusively. Therefore, this variant has been classified as Likely Pathogenic. This variant disrupts the p.Leu93 amino acid residue in AIRE. Other variant(s) that disrupt this residue have been determined to be pathogenic (PMID: 10084559). This suggests that this residue is clinically significant, and that variants that disrupt this residue are likely to be disease-causing. Advanced modeling of protein sequence and biophysical properties (such as structural, functional, and spatial information, amino acid conservation, physicochemical variation, residue mobility, and thermodynamic stability) performed at Invitae indicates that this missense variant is expected to disrupt AIRE protein function. This variant has not been reported in the literature in individuals affected with AIRE-related conditions. This variant is not present in population databases (gnomAD no frequency). This sequence change replaces leucine, which is neutral and non-polar, with glutamine, which is neutral and polar, at codon 93 of the AIRE protein (p.Leu93Gln).

GeneDx
Classification: Uncertain significance. Last evaluated: 2022-11-15. Review status: criteria provided, single submitter. Criteria: GeneDx Variant Classification Process June 2021. Collection method: clinical testing. Allele origin: germline. Affected: yes.
Comment: Not observed at significant frequency in large population cohorts (gnomAD); In silico analysis supports that this missense variant has a deleterious effect on protein structure/function; Has not been previously published as pathogenic or benign to our knowledge

Literature cited by the submitters: PubMed 10084559 (cited by Labcorp Genetics (formerly Invitae), Labcorp).

NM_000383.4(AIRE):c.278T>A (p.Leu93Gln)

Gene: AIRE (autoimmune regulator; plus strand). Cytogenetic location: 21q22.3.
Variant type: single nucleotide variant.
Coding change: c.278T>A on transcript NM_000383.4 (MANE Select); coding-DNA position 278, T replaced by A.
Protein change: p.Leu93Gln; replaces leucine 93 with glutamine.
Molecular consequence: missense variant.
Genome position (GRCh38, 1-based): chr21:44,286,702, T>A. VCF-style: chr21-44286702-T-A. GRCh37 (hg19) VCF-style: chr21-45706585-T-A.
Other names: short protein forms L93Q.
Identifiers: ClinVar variation 2501923 (VCV002501923.4), dbSNP rs179363884, ClinGen allele CA410423498.
Genomic context (GRCh38, chr21:44,286,702, plus strand): 5'-CCATCCTGGACTTCTGGAGGGTGCTGTTCAAGGACTACAACCTGGAGCGCTATGGCCGGC[T>A]GCAGCCCATCCTGGACAGCTTCCCCAAAGGTGGGTCCTGGTGGACTCAGCCATGCTGGGG-3'
Protein context (NP_000374.1, residues 83-103): KDYNLERYGR[Leu93Gln]QPILDSFPKD